The following is an entry in ClinVar:

NM_000264.5(PTCH1):c.16A>T (p.Asn6Tyr)

Genes: PTCH1 (patched 1; minus strand), LOC130002133 (ATAC-STARR-seq lymphoblastoid silent region 20071; plus strand). Cytogenetic location: 9q22.32.
Variant type: single nucleotide variant.
Coding change: c.16A>T on transcript NM_000264.5 (MANE Select); coding-DNA position 16, A replaced by T.
Protein change: p.Asn6Tyr; replaces asparagine 6 with tyrosine.
Molecular consequence: missense variant. On other transcripts: non-coding transcript variant (1), intron variant (3).
Genome position (GRCh38, 1-based): chr9:95,508,346, T>A on the plus strand (A>T on the coding strand, the complement: PTCH1 is on the minus strand). VCF-style: chr9-95508346-T-A. GRCh37 (hg19) VCF-style: chr9-98270628-T-A.
Other names: c.16A>T, p.Asn6Tyr (NM_001354918.2); c.199-1747A>T (NM_001083603.3); c.4-1747A>T (NM_001083602.3, NM_001354919.2); short protein forms N6Y.
Identifiers: ClinVar variation 1778325 (VCV001778325.2), dbSNP rs1587701202, ClinGen allele CA374121737.

ClinVar aggregate classification (germline): Uncertain significance (1 of 4 stars; one submission).

Conditions:
Hereditary cancer-predisposing syndrome. Also called: Neoplastic Syndromes, Hereditary; Tumor predisposition; Hereditary Cancer Syndrome; Hereditary neoplastic syndrome. Identifiers: Orphanet 140162, MedGen C0027672, MeSH D009386, MONDO:0015356.

Submission:

Ambry Genetics
Classification: Uncertain significance for Hereditary cancer-predisposing syndrome. Last evaluated: 2022-01-21. Review status: criteria provided, single submitter. Criteria: Ambry Variant Classification Scheme 2023. Collection method: clinical testing. Allele origin: germline.
Comment: The p.N6Y variant (also known as c.16A>T), located in coding exon 1 of the PTCH1 gene, results from an A to T substitution at nucleotide position 16. The asparagine at codon 6 is replaced by tyrosine, an amino acid with dissimilar properties. This amino acid position is conserved. In addition, this alteration is predicted to be tolerated by in silico analysis. Since supporting evidence is limited at this time, the clinical significance of this alteration remains unclear.